The following is an entry in ClinVar:

NM_000444.6(PHEX):c.663+1_663+45del

Gene: PHEX (phosphate regulating endopeptidase homolog X-linked; plus strand). Cytogenetic location: Xp22.11.
Variant type: Deletion.
Coding change: c.663+1_663+45del on transcript NM_000444.6 (MANE Select); the canonical splice donor site of the intron after coding-DNA position 663 through 45 bases into the intron after coding-DNA position 663, 45 bases deleted.
Molecular consequence: splice donor variant.
Genome position (GRCh38, 1-based): chrX:22,077,703-22,077,747, 45 bases deleted; deleting any 45 consecutive bases within chrX:22,077,701-22,077,747 gives the same sequence; the c. name uses the placement nearest the transcript's 3' end. GRCh37 (hg19): chrX:22,095,821-22,095,865.
Other names: c.663+1_663+45del (NM_001282754.2).
Identifiers: ClinVar variation 423220 (VCV000423220.2), dbSNP rs1064796303, ClinGen allele CA16621312.

ClinVar aggregate classification (germline): Pathogenic (1 of 4 stars; one submission).

Submission:

GeneDx
Classification: Pathogenic. Last evaluated: 2017-01-25. Review status: criteria provided, single submitter. Criteria: GeneDx Variant Classification (06012015). Collection method: clinical testing. Allele origin: germline. Affected: yes.
Comment: The c.663+1_c.663+45del45 splice site variant in the PHEX gene destroys the canonical splice donor site in intron 5. It is predicted to cause abnormal gene splicing, either leading to an abnormal message that is subject to nonsense-mediated mRNA decay, or to an abnormal protein product if the message is used for protein translation. A different cannoincal splice variant at the same donor site has been reported in an individual with hypophosphatemic rickets (Kang et al., 2014). Additionally, this splice variant was not observed in approximately 6,500 individuals of European and African American ancestry in the NHLBI Exome Sequencing Project.